The following is an entry in ClinVar:

ClinVar aggregate classification (germline): Uncertain significance (1 of 4 stars; one submission).

Conditions:
Retinitis pigmentosa 76 (RP76). Identifiers: MedGen C4310704, MONDO:0014929, OMIM 617123.

gnomAD v4.1: 1 of 1,614,122 alleles (0.000062%); no homozygotes.

Submission:

3billion
Classification: Uncertain significance for Retinitis pigmentosa 76. Last evaluated: 2025-07-09. Review status: criteria provided, single submitter. Criteria: ACMG Guidelines, 2015. Collection method: clinical testing. Allele origin: germline. Affected: yes.
Comment: The variant is observed at an extremely low frequency in the gnomAD v4.1.0 dataset (total allele frequency: <0.001%). Predicted Consequence/Location: Missense variant. The majority of the known disease-causing variants of this gene are variants expected to result in premature termination of the protein. In silico tool predictions suggest damaging effect of the variant on gene or gene product [3Cnet: 0.96 (> 0.75, sensitivity 0.96 and precision 0.92)]. Therefore, this variant is classified as VUS according to the recommendation of ACMG/AMP guideline.

NM_017739.4(POMGNT1):c.1136C>T (p.Thr379Ile)

Genes: TSPAN1 (tetraspanin 1; plus strand), POMGNT1 (protein O-linked mannose N-acetylglucosaminyltransferase 1 (beta 1,2-); minus strand). Cytogenetic location: 1p34.1.
Variant type: single nucleotide variant.
Coding change: c.1136C>T on transcript NM_017739.4 (MANE Select); coding-DNA position 1136, C replaced by T.
Protein change: p.Thr379Ile; replaces threonine 379 with isoleucine.
Molecular consequence: missense variant.
Genome position (GRCh38, 1-based): chr1:46,193,190, G>A on the plus strand (C>T on the coding strand, the complement: POMGNT1 is on the minus strand). VCF-style: chr1-46193190-G-A. GRCh37 (hg19) VCF-style: chr1-46658862-G-A.
Other names: c.1136C>T, p.Thr379Ile (NM_001243766.2, NM_001410783.1, NM_001437653.1 and 3 more transcripts); c.1070C>T, p.Thr357Ile (NM_001290129.3, NM_001438691.1, NM_001438692.1); c.707C>T, p.Thr236Ile (NM_001290130.2); short protein forms T236I, T357I, T379I.
Identifiers: ClinVar variation 4854760 (VCV004854760.1).